The following is an entry in ClinVar:

ClinVar aggregate classification (germline): Uncertain significance. Review status: criteria provided, multiple submitters, no conflicts (2 of 4 stars). 2 submissions from 2 submitters: Uncertain significance (2). Last evaluated 2025-05-04.

Submissions (2):

Labcorp Genetics (formerly Invitae), Labcorp
Classification: Uncertain significance. Last evaluated: 2025-05-04. Review status: criteria provided, single submitter. Criteria: Invitae Variant Classification Sherloc (09022015). Collection method: clinical testing. Allele origin: germline.
Comment: This sequence change replaces arginine, which is basic and polar, with proline, which is neutral and non-polar, at codon 965 of the FUK protein (p.Arg965Pro). This variant is present in population databases (rs761231496, gnomAD 0.01%). This variant has not been reported in the literature in individuals affected with FUK-related conditions. ClinVar contains an entry for this variant (Variation ID: 1990880). An algorithm developed to predict the effect of missense changes on protein structure and function (PolyPhen-2) suggests that this variant is likely to be tolerated. In summary, the available evidence is currently insufficient to determine the role of this variant in disease. Therefore, it has been classified as a Variant of Uncertain Significance.

Ambry Genetics
Classification: Uncertain significance. Last evaluated: 2023-07-25. Review status: criteria provided, single submitter. Criteria: Ambry Variant Classification Scheme 2023. Collection method: clinical testing. Allele origin: germline.

NM_145059.3(FCSK):c.2894G>C (p.Arg965Pro)

Gene: FCSK (fucose kinase; plus strand). Cytogenetic location: 16q22.1.
Variant type: single nucleotide variant.
Coding change: c.2894G>C on transcript NM_145059.3 (MANE Select); coding-DNA position 2894, G replaced by C.
Protein change: p.Arg965Pro; replaces arginine 965 with proline.
Molecular consequence: missense variant.
Genome position (GRCh38, 1-based): chr16:70,478,615, G>C. VCF-style: chr16-70478615-G-C. GRCh37 (hg19) VCF-style: chr16-70512518-G-C.
Other names: c.2894G>C (NM_145059.2); short protein forms R965P.
Identifiers: ClinVar variation 1990880 (VCV001990880.6), dbSNP rs761231496, ClinGen allele CA8143773.